The following is an entry in ClinVar:

NM_001626.6(AKT2):c.1439G>A (p.Arg480His)

Gene: AKT2 (AKT serine/threonine kinase 2; minus strand). Cytogenetic location: 19q13.2.
Variant type: single nucleotide variant.
Coding change: c.1439G>A on transcript NM_001626.6 (MANE Select); coding-DNA position 1439, G replaced by A.
Protein change: p.Arg480His; replaces arginine 480 with histidine.
Molecular consequence: missense variant.
Genome position (GRCh38, 1-based): chr19:40,233,879, C>T on the plus strand (G>A on the coding strand, the complement: AKT2 is on the minus strand). VCF-style: chr19-40233879-C-T. GRCh37 (hg19) VCF-style: chr19-40739786-C-T.
Other names: c.1253G>A, p.Arg418His (NM_001243027.3, NM_001243028.3); c.1310G>A, p.Arg437His (NM_001330511.1); short protein forms R418H, R437H, R480H.
Identifiers: ClinVar variation 3359095 (VCV003359095.2).
Genomic context (GRCh38, chr19:40,233,879, plus strand): 5'-AACCACCCAGCGGTGATGGCAGCGAGCGTGCGTCCTCTGCGTGGGCAGACTGCTCACTCG[C>T]GGATGCTGGCCGAGTAGGAGAACTGGGGGAAGTGGGTCCGCTGGTCCAGCTCCAGTAAGC-3'
Protein context (NP_001617.1, residues 470-481): FPQFSYSASI[Arg480His]E

ClinVar aggregate classification (germline): Uncertain significance (1 of 4 stars; one submission).

Conditions:
Type 2 diabetes mellitus. Also called: Type II diabetes mellitus. Identifiers: MedGen C0011860, MeSH D003924, MONDO:0005148, OMIM 125853, HP:0005978.

gnomAD v4.1: 7 of 1,611,258 alleles (0.00043%); highest among the groups gnomAD compares: Middle Eastern, 0.016%; no homozygotes.

Submission:

Institute of Human Genetics, University of Leipzig Medical Center
Classification: Uncertain significance for Type 2 diabetes mellitus. Last evaluated: 2024-09-04. Review status: criteria provided, single submitter. Criteria: ACMG Guidelines, 2015. Collection method: clinical testing. Allele origin: unknown. Inheritance: Autosomal dominant inheritance. Affected: yes.
Comment: Criteria applied: PP2,PP3